The following is an entry in ClinVar:

NM_000540.3(RYR1):c.4026C>T (p.Ser1342=)

Gene: RYR1 (ryanodine receptor 1; plus strand). Cytogenetic location: 19q13.2.
Variant type: single nucleotide variant.
Coding change: c.4026C>T on transcript NM_000540.3 (MANE Select); coding-DNA position 4026, C replaced by T.
Protein change: p.Ser1342=; no amino-acid change (serine 1342 retained).
Molecular consequence: synonymous variant.
Genome position (GRCh38, 1-based): chr19:38,473,637, C>T. VCF-style: chr19-38473637-C-T. GRCh37 (hg19) VCF-style: chr19-38964277-C-T.
Other names: c.4026C>T, p.Ser1342= (NM_001042723.2).
Identifiers: ClinVar variation 972270 (VCV000972270.11), dbSNP rs182004703, ClinGen allele CA507353098.
Genomic context (GRCh38, chr19:38,473,637, plus strand): 5'-CCGGGCGGCGGAACCCGACCCTGACTACGAAAACCTGCGCCGCTCAGCTGGGGGCTGGAG[C>T]GAGGCAGAGAACGGCAAAGAAGGGACTGCGAAGGAGGGCGCCCCCGGGGGCACCCCGCAG-3'
Protein context (NP_000531.2, residues 1332-1352): ENLRRSAGGW[Ser1342=]EAENGKEGTA

ClinVar aggregate classification (germline): Conflicting classifications of pathogenicity. Review status: criteria provided, conflicting classifications (1 of 4 stars). 2 submissions from 2 submitters: Uncertain significance (1); Likely benign (1). Last evaluated 2024-02-01.

Conditions:
RYR1-related disorder. Also called: RYR1-related condition; RYR1-related disorders. Identifiers: MedGen CN239331.
Malignant hyperthermia, susceptibility to, 1 (MHS1). Also called: Anesthesia related hyperthermia; Malignant hyperpyrexia; Fulminating hyperpyrexia; Pharmacogenic myopathy; Malignant hyperthermia suceptibility 1; RYR1-Related Malignant Hyperthermia Susceptibility. Identifiers: Orphanet 423, MedGen C2930980, MONDO:0007783, OMIM 145600.

gnomAD v4.1: 2 of 1,560,412 alleles (0.00013%); highest among the groups gnomAD compares: Non-Finnish European, 0.00017%; no homozygotes.

Submissions (2):

Labcorp Genetics (formerly Invitae), Labcorp
Classification: Likely benign for RYR1-related disorder. Last evaluated: 2024-02-01. Review status: criteria provided, single submitter. Criteria: Invitae Variant Classification Sherloc (09022015). Collection method: clinical testing. Allele origin: germline.

All of Us Research Program, National Institutes of Health
Classification: Uncertain significance for Malignant hyperthermia, susceptibility to, 1. Last evaluated: 2023-08-28. Review status: criteria provided, single submitter. Criteria: ACMG Guidelines, 2015. Collection method: clinical testing. Allele origin: germline. Inheritance: Autosomal dominant inheritance. Observed: 1 variant allele, 1 heterozygote.
Comment: This variant is located in the RYR1 protein. To our knowledge, functional studies have not been reported for this variant. This variant has not been reported in individuals affected with RYR1-related disorders in the literature. This variant has not been identified in the general population by the Genome Aggregation Database (gnomAD). The available evidence is insufficient to determine the role of this variant in disease conclusively. Therefore, this variant is classified as a Variant of Uncertain Significance.

This study involves interpretation of variants in research participants for the purpose of population health screening. Participant phenotype was not available at the time of variant classification. Additional details can be found in publication PMID: 35346344, PMCID: PMC8962531